The following is an entry in ClinVar:

NM_001374259.2(IL12RB2):c.1319C>T (p.Thr440Ile)

Gene: IL12RB2 (interleukin 12 receptor subunit beta 2; plus strand). Cytogenetic location: 1p31.3.
Variant type: single nucleotide variant.
Coding change: c.1319C>T on transcript NM_001374259.2 (MANE Select); coding-DNA position 1319, C replaced by T.
Protein change: p.Thr440Ile; replaces threonine 440 with isoleucine.
Molecular consequence: missense variant. On other transcripts: non-coding transcript variant (2).
Genome position (GRCh38, 1-based): chr1:67,367,885, C>T. VCF-style: chr1-67367885-C-T. GRCh37 (hg19) VCF-style: chr1-67833568-C-T.
Other names: c.1319C>T, p.Thr440Ile (NM_001258214.1, NM_001258215.1, NM_001258216.1 and 2 more transcripts); short protein forms T440I.
Identifiers: ClinVar variation 4705794 (VCV004705794.1).

ClinVar aggregate classification (germline): Uncertain significance (1 of 4 stars; one submission).

gnomAD v4.1: 2 of 1,609,430 alleles (0.00012%); highest among the groups gnomAD compares: African/African-American, 0.0013%; no homozygotes.

Submission:

Labcorp Genetics (formerly Invitae), Labcorp
Classification: Uncertain significance. Last evaluated: 2025-12-08. Review status: criteria provided, single submitter. Criteria: Invitae Variant Classification Sherloc (09022015). Collection method: clinical testing. Allele origin: germline.
Comment: This sequence change replaces threonine, which is neutral and polar, with isoleucine, which is neutral and non-polar, at codon 440 of the IL12RB2 protein (p.Thr440Ile). This variant is not present in population databases (gnomAD no frequency). This variant has not been reported in the literature in individuals affected with IL12RB2-related conditions. An algorithm developed to predict the effect of missense changes on protein structure and function (PolyPhen-2) suggests that this variant is likely to be tolerated. In summary, the available evidence is currently insufficient to determine the role of this variant in disease. Therefore, it has been classified as a Variant of Uncertain Significance.